The following is an entry in ClinVar:

NM_054012.4(ASS1):c.1032A>G (p.Arg344=)

Gene: ASS1 (argininosuccinate synthase 1; plus strand). Cytogenetic location: 9q34.11.
Variant type: single nucleotide variant.
Coding change: c.1032A>G on transcript NM_054012.4 (MANE Select); coding-DNA position 1032, A replaced by G.
Protein change: p.Arg344=; no amino-acid change (arginine 344 retained).
Molecular consequence: synonymous variant.
Genome position (GRCh38, 1-based): chr9:130,494,928, A>G. VCF-style: chr9-130494928-A-G. GRCh37 (hg19) VCF-style: chr9-133370315-A-G.
Other names: c.1032A>G, p.Arg344= (NM_000050.4).
Identifiers: ClinVar variation 513241 (VCV000513241.1), dbSNP rs1453546728, ClinGen allele CA467386015.

ClinVar aggregate classification (germline): Likely benign (1 of 4 stars; one submission).

Allele frequency attached by ClinVar (database versions not stated): gnomAD exomes below 0.00001.
gnomAD v4.1: 2 of 1,613,528 alleles (0.00012%); highest among the groups gnomAD compares: South Asian, 0.0022%; no homozygotes.

Submission:

GeneDx
Classification: Likely benign. Last evaluated: 2017-12-04. Review status: criteria provided, single submitter. Criteria: GeneDx Variant Classification (06012015). Collection method: clinical testing. Allele origin: germline. Affected: yes.
Comment: This variant is considered likely benign or benign based on one or more of the following criteria: it is a conservative change, it occurs at a poorly conserved position in the protein, it is predicted to be benign by multiple in silico algorithms, and/or has population frequency not consistent with disease.